The following is an entry in ClinVar:

ClinVar aggregate classification (germline): Uncertain significance. Review status: criteria provided, multiple submitters, no conflicts (2 of 4 stars). 4 submissions from 4 submitters: Uncertain significance (4). Last evaluated 2025-09-18.

Conditions:
HNSHA due to aldolase A deficiency (GSD12). Also called: GLYCOGEN STORAGE DISEASE XII; GSD XII; RED CELL ALDOLASE DEFICIENCY; Glycogen storage disease due to aldolase A deficiency. Identifiers: Orphanet 57, MedGen C0272066, MONDO:0012747, OMIM 611881.
Inborn genetic diseases. Identifiers: MedGen C0950123, MeSH D030342.

Allele frequency attached by ClinVar (database versions not stated): gnomAD exomes 0.00001; ExAC 0.00002; gnomAD 0.00004; TOPMed 0.00006.
gnomAD v4.1: 24 of 1,613,060 alleles (0.0015%); highest among the groups gnomAD compares: African/African-American, 0.02%; no homozygotes.

Submissions (4):

Mayo Clinic Laboratories, Mayo Clinic
Classification: Uncertain significance. Last evaluated: 2025-09-18. Review status: criteria provided, single submitter. Criteria: ACMG Guidelines, 2015. Collection method: clinical testing. Allele origin: germline. Observed: 2 variant alleles.
Comment: PP3, PM2_supporting

Ambry Genetics
Classification: Uncertain significance for Inborn genetic diseases. Last evaluated: 2024-12-04. Review status: criteria provided, single submitter. Criteria: Ambry Variant Classification Scheme 2023. Collection method: clinical testing. Allele origin: germline.

Revvity Omics, Revvity
Classification: Uncertain significance for HNSHA due to aldolase A deficiency. Last evaluated: 2024-09-18. Review status: criteria provided, single submitter. Criteria: ACMG Guidelines, 2015. Collection method: clinical testing. Allele origin: germline.

Labcorp Genetics (formerly Invitae), Labcorp
Classification: Uncertain significance for HNSHA due to aldolase A deficiency. Last evaluated: 2022-03-18. Review status: criteria provided, single submitter. Criteria: Invitae Variant Classification Sherloc (09022015). Collection method: clinical testing. Allele origin: germline.
Comment: This sequence change replaces alanine, which is neutral and non-polar, with threonine, which is neutral and polar, at codon 20 of the ALDOA protein (p.Ala20Thr). This variant is present in population databases (rs763532944, gnomAD 0.04%). This variant has not been reported in the literature in individuals affected with ALDOA-related conditions. Algorithms developed to predict the effect of missense changes on protein structure and function (SIFT, PolyPhen-2, Align-GVGD) all suggest that this variant is likely to be tolerated. In summary, the available evidence is currently insufficient to determine the role of this variant in disease. Therefore, it has been classified as a Variant of Uncertain Significance.

NM_001243177.4(ALDOA):c.220G>A (p.Ala74Thr)

Genes: ALDOA (aldolase, fructose-bisphosphate A; plus strand), LOC112694756 (uncharaterized LOC112694756; plus strand). Cytogenetic location: 16p11.2.
Variant type: single nucleotide variant.
Coding change: c.220G>A on transcript NM_001243177.4 (MANE Select); coding-DNA position 220, G replaced by A.
Protein change: p.Ala74Thr; replaces alanine 74 with threonine.
Molecular consequence: missense variant. On other transcripts: 3 prime UTR variant (3).
Genome position (GRCh38, 1-based): chr16:30,067,312, G>A. VCF-style: chr16-30067312-G-A. GRCh37 (hg19) VCF-style: chr16-30078633-G-A.
Other names: NM_000034.3:c.58G>A; p.Ala20Thr; c.*567G>A (NM_001365307.2, NM_001365304.2, NM_001365305.2); c.58G>A, p.Ala20Thr (NM_001127617.2, NM_184041.5, NM_184043.2); c.58G>A (NM_184041.4); short protein forms A20T, A74T.
Identifiers: ClinVar variation 2158705 (VCV002158705.4), dbSNP rs763532944, ClinGen allele CA8000852.